The following is an entry in ClinVar:

ClinVar aggregate classification (germline): Conflicting classifications of pathogenicity. Review status: criteria provided, conflicting classifications (1 of 4 stars). 6 submissions from 6 submitters: Pathogenic (4); Likely pathogenic (1); Uncertain significance (1). Last evaluated 2025-08-06.

Conditions:
Becker muscular dystrophy, Cardiomyopathy, Duchenne muscular dystrophy, Dystrophin deficiency.
Duchenne muscular dystrophy (DMD). Also called: MUSCULAR DYSTROPHY, PSEUDOHYPERTROPHIC PROGRESSIVE, DUCHENNE TYPE; Duchenne Muscular Dystrophy (DMD). Identifiers: Orphanet 98896, MedGen C0013264, MONDO:0010679, OMIM 310200.

Submissions (6):

Natera, Inc.
Classification: Likely pathogenic for Becker muscular dystrophy, Cardiomyopathy, Duchenne muscular dystrophy, Dystrophin deficiency. Last evaluated: 2025-08-06. Review status: criteria provided, single submitter. Criteria: Natera Variant Classification Schema (03/2026). Collection method: clinical testing. Allele origin: germline.
Comment: The c.3603+2_3603+3insTA variant in DMD is a canonical splice donor site variant predicted to affect pre-mRNA splicing, which may result in an abnormal transcript and altered protein product. This variant is rare in the general population with a frequency below the threshold expected for the associated phenotype(s). This variant has been observed in affected individual(s) with monoallelic occurrence (heterozygous/hemizygous) (PMID: 33644936, 27363342, 34297739). Given the available evidence, this variant is classified as Likely Pathogenic.

Revvity Omics, Revvity
Classification: Pathogenic. Last evaluated: 2024-06-21. Review status: criteria provided, single submitter. Criteria: ACMG Guidelines, 2015. Collection method: clinical testing. Allele origin: germline.

Labcorp Genetics (formerly Invitae), Labcorp
Classification: Pathogenic for Duchenne muscular dystrophy. Last evaluated: 2024-04-08. Review status: criteria provided, single submitter. Criteria: Invitae Variant Classification Sherloc (09022015). Collection method: clinical testing. Allele origin: germline.
Comment: This sequence change falls in intron 26 of the DMD gene. It does not directly change the encoded amino acid sequence of the DMD protein. It affects a nucleotide within the consensus splice site. This variant is not present in population databases (gnomAD no frequency). This variant has been observed in individuals with DMD-related conditions (PMID: 19230662, 21515508). ClinVar contains an entry for this variant (Variation ID: 803889). Variants that disrupt the consensus splice site are a relatively common cause of aberrant splicing (PMID: 17576681, 9536098). Algorithms developed to predict the effect of sequence changes on RNA splicing suggest that this variant may disrupt the consensus splice site. For these reasons, this variant has been classified as Pathogenic.

CeGaT Center for Human Genetics Tuebingen
Classification: Pathogenic. Last evaluated: 2019-08-01. Review status: criteria provided, single submitter. Criteria: CeGaT Center For Human Genetics Tuebingen Variant Classification Criteria Version 2. Collection method: clinical testing. Allele origin: germline. Affected: yes. Observed: 1 variant allele.

Mendelics
Classification: Pathogenic for Duchenne muscular dystrophy. Last evaluated: 2019-05-28. Review status: criteria provided, single submitter. Criteria: Mendelics Assertion Criteria 2017. Collection method: clinical testing. Allele origin: unknown.

Athena Diagnostics
Classification: Uncertain significance. Last evaluated: 2019-05-22. Review status: criteria provided, single submitter. Criteria: Athena Diagnostics Criteria. Collection method: clinical testing. Allele origin: germline.

Literature cited by the submitters: PubMed 33644936 (cited by Natera, Inc.); PubMed 27363342 (cited by Natera, Inc.); PubMed 34297739 (cited by Natera, Inc.); PubMed 19230662 (cited by Labcorp Genetics (formerly Invitae), Labcorp); PubMed 21515508 (cited by Labcorp Genetics (formerly Invitae), Labcorp); PubMed 17576681 (cited by Labcorp Genetics (formerly Invitae), Labcorp); PubMed 9536098 (cited by Labcorp Genetics (formerly Invitae), Labcorp).

NM_004006.3(DMD):c.3603+2_3603+3insTA

Gene: DMD (dystrophin; minus strand). Cytogenetic location: Xp21.1.
Variant type: Insertion.
Coding change: c.3603+2_3603+3insTA on transcript NM_004006.3 (MANE Select); the canonical splice donor site of the intron after coding-DNA position 3603 through 3 bases into the intron after coding-DNA position 3603, TA inserted.
Molecular consequence: splice donor variant.
Genome position: GRCh38 VCF-style: chrX-32454659-T-TTA. GRCh37 (hg19) VCF-style: chrX-32472776-T-TTA.
Other names: c.3579+2_3579+3insTA (NM_000109.4); c.3591+2_3591+3insTA (NM_004009.3); c.3234+2_3234+3insTA (NM_004010.3).
Identifiers: ClinVar variation 803889 (VCV000803889.46), dbSNP rs1603633860, ClinGen allele CA915950834.
Genomic context (GRCh38, chrX:32,454,659, plus strand): 5'-GCATTTCTTTCTTTTTCCATTTATTTCCTTTGTTTTACTTAGTTTTTCTTTTTTTTTTTT[T>TTA]ACCTTCATCTCTTCAACTGCTTTCTGTAATTCATCTGGAGTTTTATATTCAAAATCTCTC-3'